The following is an entry in ClinVar:

ClinVar aggregate classification (germline): Benign/Likely benign. Review status: criteria provided, multiple submitters, no conflicts (2 of 4 stars). 6 submissions from 6 submitters: Benign (1); Likely benign (4). 1 of the submissions does not count toward it. Last evaluated 2026-01-22.

Conditions:
Cohen syndrome (COH1). Also called: Cutis verticis gyrata, retinitis pigmentosa, and sensorineural deafness; PEPPER SYNDROME. Identifiers: Orphanet 193, MedGen C0265223, MONDO:0008999, OMIM 216550.

Allele frequency attached by ClinVar (database versions not stated): gnomAD 0.00016 and 0.00022; TOPMed 0.00039; 1000 Genomes Project 30x 0.00078; 1000 Genomes Project 0.00100.
gnomAD v4.1: 190 of 1,614,178 alleles (0.012%); highest among the groups gnomAD compares: East Asian, 0.38%; 1 homozygote.

Submissions (6):

Labcorp Genetics (formerly Invitae), Labcorp
Classification: Benign for Cohen syndrome. Last evaluated: 2026-01-22. Review status: criteria provided, single submitter. Criteria: Invitae Variant Classification Sherloc (09022015). Collection method: clinical testing. Allele origin: germline.

CeGaT Center for Human Genetics Tuebingen
Classification: Likely benign. Last evaluated: 2025-12-01. Review status: criteria provided, single submitter. Criteria: CeGaT Center For Human Genetics Tuebingen Variant Classification Criteria Version 2. Collection method: clinical testing. Allele origin: germline. Affected: yes. Observed: 1 variant allele.
Comment: VPS13B: BP4, BP7

Blueprint Genetics
Classification: Likely benign. Last evaluated: 2024-10-07. Review status: criteria provided, single submitter. Criteria: ACMG Guidelines, 2015. Collection method: clinical testing. Allele origin: germline.

Illumina Laboratory Services, Illumina
Classification: Likely benign for Cohen syndrome. Last evaluated: 2018-01-13. Review status: criteria provided, single submitter. Criteria: ICSL Variant Classification Criteria 13 December 2019. Collection method: clinical testing. Allele origin: germline.
Comment: This variant was observed in the ICSL laboratory as part of a predisposition screen in an ostensibly healthy population. It had not been previously curated by ICSL or reported in the Human Gene Mutation Database (HGMD: prior to June 1st, 2018), and was therefore a candidate for classification through an automated scoring system. Utilizing variant allele frequency, disease prevalence and penetrance estimates, and inheritance mode, an automated score was calculated to assess if this variant is too frequent to cause the disease. Based on the score and internal cut-off values, a variant classified as likely benign is not then subjected to further curation. The score for this variant resulted in a classification of likely benign for this disease.

PreventionGenetics, part of Exact Sciences
Classification: Likely benign. Review status: criteria provided, single submitter. Criteria: ACMG Guidelines, 2015. Collection method: clinical testing. Allele origin: germline.

Natera, Inc.
Classification: Likely benign for Cohen syndrome. Last evaluated: 2019-10-25. Review status: no assertion criteria provided. Collection method: clinical testing. Allele origin: germline. Not counted in ClinVar's aggregate classification.

NM_152564.5(VPS13B):c.11787C>T (p.Asn3929=)

Gene: VPS13B (vacuolar protein sorting 13 homolog B; plus strand). Cytogenetic location: 8q22.2.
Variant type: single nucleotide variant.
Coding change: c.11787C>T on transcript NM_152564.5 (MANE Select); coding-DNA position 11787, C replaced by T.
Protein change: p.Asn3929=; no amino-acid change (asparagine 3929 retained).
Molecular consequence: synonymous variant.
Genome position (GRCh38, 1-based): chr8:99,875,459, C>T. VCF-style: chr8-99875459-C-T. GRCh37 (hg19) VCF-style: chr8-100887687-C-T.
Other names: c.11862C>T, p.Asn3954= (NM_017890.5).
Identifiers: ClinVar variation 262656 (VCV000262656.27), dbSNP rs147710096, ClinGen allele CA4825346.